The following is an entry in ClinVar:

ClinVar aggregate classification (germline): Likely benign. Review status: criteria provided, multiple submitters, no conflicts (2 of 4 stars). 3 submissions from 3 submitters: Likely benign (3). Last evaluated 2026-01-12.

Allele frequency attached by ClinVar (database versions not stated): gnomAD 0.00001; gnomAD exomes 0.00001; ExAC 0.00002; ESP Exome Variant Server 0.00008.
gnomAD v4.1: 12 of 1,612,956 alleles (0.00074%); highest among the groups gnomAD compares: South Asian, 0.0022%; no homozygotes.

Submissions (3):

Labcorp Genetics (formerly Invitae), Labcorp
Classification: Likely benign. Last evaluated: 2026-01-12. Review status: criteria provided, single submitter. Criteria: Invitae Variant Classification Sherloc (09022015). Collection method: clinical testing. Allele origin: germline.

CeGaT Center for Human Genetics Tuebingen
Classification: Likely benign. Last evaluated: 2024-08-01. Review status: criteria provided, single submitter. Criteria: CeGaT Center For Human Genetics Tuebingen Variant Classification Criteria Version 2. Collection method: clinical testing. Allele origin: germline. Affected: yes. Observed: 1 variant allele.
Comment: MME: BP4, BP7

Blueprint Genetics
Classification: Likely benign. Last evaluated: 2021-11-18. Review status: criteria provided, single submitter. Criteria: ACMG Guidelines, 2015. Collection method: clinical testing. Allele origin: germline.

NM_007289.4(MME):c.1809C>T (p.Leu603=)

Gene: MME (membrane metalloendopeptidase; plus strand). Cytogenetic location: 3q25.2.
Variant type: single nucleotide variant.
Coding change: c.1809C>T on transcript NM_007289.4 (MANE Select); coding-DNA position 1809, C replaced by T.
Protein change: p.Leu603=; no amino-acid change (leucine 603 retained).
Molecular consequence: synonymous variant.
Genome position (GRCh38, 1-based): chr3:155,168,520, C>T. VCF-style: chr3-155168520-C-T. GRCh37 (hg19) VCF-style: chr3-154886309-C-T.
Other names: c.1809C>T, p.Leu603= (NM_000902.5, NM_001354642.2, NM_001354643.1 and 2 more transcripts).
Identifiers: ClinVar variation 1653782 (VCV001653782.25), dbSNP rs148809350, ClinGen allele CA2675640.